The following is an entry in ClinVar:

NM_001291303.3(FAT4):c.13058A>G (p.Asn4353Ser)

Gene: FAT4 (FAT atypical cadherin 4; plus strand). Cytogenetic location: 4q28.1.
Variant type: single nucleotide variant.
Coding change: c.13058A>G on transcript NM_001291303.3 (MANE Select); coding-DNA position 13058, A replaced by G.
Protein change: p.Asn4353Ser; replaces asparagine 4353 with serine.
Molecular consequence: missense variant.
Genome position (GRCh38, 1-based): chr4:125,487,580, A>G. VCF-style: chr4-125487580-A-G. GRCh37 (hg19) VCF-style: chr4-126408735-A-G.
Other names: c.13058A>G, p.Asn4353Ser (NM_001291285.3); c.13052A>G, p.Asn4351Ser (NM_024582.6); short protein forms N4351S, N4353S.
Identifiers: ClinVar variation 1470306 (VCV001470306.8), dbSNP rs2126093199, ClinGen allele CA358134740.

ClinVar aggregate classification (germline): Uncertain significance (1 of 4 stars; one submission).

Allele frequency attached by ClinVar (database versions not stated): gnomAD exomes below 0.00001.
gnomAD v4.1: 3 of 1,611,556 alleles (0.00019%); highest among the groups gnomAD compares: African/African-American, 0.0027%; no homozygotes.

Submission:

Labcorp Genetics (formerly Invitae), Labcorp
Classification: Uncertain significance. Last evaluated: 2023-11-27. Review status: criteria provided, single submitter. Criteria: Invitae Variant Classification Sherloc (09022015). Collection method: clinical testing. Allele origin: germline.
Comment: This sequence change replaces asparagine, which is neutral and polar, with serine, which is neutral and polar, at codon 4351 of the FAT4 protein (p.Asn4351Ser). This variant is not present in population databases (gnomAD no frequency). This variant has not been reported in the literature in individuals affected with FAT4-related conditions. ClinVar contains an entry for this variant (Variation ID: 1470306). Advanced modeling of protein sequence and biophysical properties (such as structural, functional, and spatial information, amino acid conservation, physicochemical variation, residue mobility, and thermodynamic stability) has been performed at Invitae for this missense variant, however the output from this modeling did not meet the statistical confidence thresholds required to predict the impact of this variant on FAT4 protein function. In summary, the available evidence is currently insufficient to determine the role of this variant in disease. Therefore, it has been classified as a Variant of Uncertain Significance.